The following is an entry in ClinVar:

ClinVar aggregate classification (germline): Uncertain significance. Review status: criteria provided, multiple submitters, no conflicts (2 of 4 stars). 4 submissions from 4 submitters: Uncertain significance (3). 1 of the submissions does not count toward it. Last evaluated 2025-11-05.

Conditions:
NOTCH2-related disorder. Also called: NOTCH2-related condition.
Hajdu-Cheney syndrome (HJCYS). Also called: Acroosteolysis dominant type; SERPENTINE FIBULA-POLYCYSTIC KIDNEY SYNDROME; ACROOSTEOLYSIS WITH OSTEOPOROSIS AND CHANGES IN SKULL AND MANDIBLE. Identifiers: Orphanet 955, MedGen C0917715, MONDO:0007057, OMIM 102500.
Alagille syndrome due to a NOTCH2 point mutation. Also called: Alagille syndrome 2. Identifiers: Orphanet 261629, Orphanet 52, MedGen C1857761, MONDO:0012439, OMIM 610205.

Allele frequency attached by ClinVar (database versions not stated): ExAC 0.00003; gnomAD exomes 0.00004 and 0.00017; gnomAD 0.00009; TOPMed 0.00011; ESP Exome Variant Server 0.00015.
gnomAD v4.1: 259 of 1,613,926 alleles (0.016%); highest among the groups gnomAD compares: Non-Finnish European, 0.02%; no homozygotes.

Submissions (4):

Labcorp Genetics (formerly Invitae), Labcorp
Classification: Uncertain significance for Hajdu-Cheney syndrome. Last evaluated: 2025-11-05. Review status: criteria provided, single submitter. Criteria: Invitae Variant Classification Sherloc (09022015). Collection method: clinical testing. Allele origin: germline.
Comment: This sequence change replaces arginine, which is basic and polar, with histidine, which is basic and polar, at codon 1293 of the NOTCH2 protein (p.Arg1293His). This variant is present in population databases (rs201968231, gnomAD 0.009%). This variant has not been reported in the literature in individuals affected with NOTCH2-related conditions. ClinVar contains an entry for this variant (Variation ID: 502782). Invitae Evidence Modeling of protein sequence and biophysical properties (such as structural, functional, and spatial information, amino acid conservation, physicochemical variation, residue mobility, and thermodynamic stability) indicates that this missense variant is not expected to disrupt NOTCH2 protein function with a negative predictive value of 95%. In summary, the available evidence is currently insufficient to determine the role of this variant in disease. Therefore, it has been classified as a Variant of Uncertain Significance.

Fulgent Genetics
Classification: Uncertain significance for Hajdu-Cheney syndrome; Alagille syndrome due to a NOTCH2 point mutation. Last evaluated: 2022-04-27. Review status: criteria provided, single submitter. Criteria: ACMG Guidelines, 2015. Collection method: clinical testing. Allele origin: unknown.

Eurofins Ntd Llc (ga)
Classification: Uncertain significance. Last evaluated: 2017-06-29. Review status: criteria provided, single submitter. Criteria: EGL Classification Definitions 2015. Collection method: clinical testing. Allele origin: germline. Observed: 1 variant allele, 1 heterozygote.

PreventionGenetics, part of Exact Sciences
Classification: Uncertain significance for NOTCH2-related condition. Last evaluated: 2024-03-07. Review status: no assertion criteria provided. Collection method: clinical testing. Allele origin: germline. Not counted in ClinVar's aggregate classification.
Comment: The NOTCH2 c.3878G>A variant is predicted to result in the amino acid substitution p.Arg1293His. To our knowledge, this variant has not been reported in the literature. This variant is reported in 0.0085% of alleles in individuals of Latino descent in gnomAD. At this time, the clinical significance of this variant is uncertain due to the absence of conclusive functional and genetic evidence.

NM_024408.4(NOTCH2):c.3878G>A (p.Arg1293His)

Gene: NOTCH2 (notch receptor 2; minus strand). Cytogenetic location: 1p12.
Variant type: single nucleotide variant.
Coding change: c.3878G>A on transcript NM_024408.4 (MANE Select); coding-DNA position 3878, G replaced by A.
Protein change: p.Arg1293His; replaces arginine 1293 with histidine.
Molecular consequence: missense variant.
Genome position (GRCh38, 1-based): chr1:119,928,990, C>T on the plus strand (G>A on the coding strand, the complement: NOTCH2 is on the minus strand). VCF-style: chr1-119928990-C-T. GRCh37 (hg19) VCF-style: chr1-120471613-C-T.
Other names: short protein forms R1293H.
Identifiers: ClinVar variation 502782 (VCV000502782.15), dbSNP rs201968231, ClinGen allele CA1039960.